The following is an entry in ClinVar:

ClinVar aggregate classification (germline): Uncertain significance (1 of 4 stars; one submission).

Conditions:
Pierson syndrome. Also called: MICROCORIA-CONGENITAL NEPHROTIC SYNDROME. Identifiers: Orphanet 2670, MedGen C1836876, MONDO:0012184, OMIM 609049.
LAMB2-related infantile-onset nephrotic syndrome. Also called: Nephrotic Syndrome, type 5; NEPHROTIC SYNDROME, TYPE 5, WITHOUT OCULAR ABNORMALITIES; NEPHROTIC SYNDROME, TYPE 5, WITH OCULAR ABNORMALITIES. Identifiers: Orphanet 306507, MedGen C3280113, MONDO:0013621, OMIM 614199.

Submission:

Labcorp Genetics (formerly Invitae), Labcorp
Classification: Uncertain significance for LAMB2-related infantile-onset nephrotic syndrome; Pierson syndrome. Last evaluated: 2022-02-28. Review status: criteria provided, single submitter. Criteria: Invitae Variant Classification Sherloc (09022015). Collection method: clinical testing. Allele origin: germline.
Comment: This sequence change falls in intron 2 of the LAMB2 gene. It does not directly change the encoded amino acid sequence of the LAMB2 protein. It affects a nucleotide within the consensus splice site. This variant is not present in population databases (gnomAD no frequency). This variant has not been reported in the literature in individuals affected with LAMB2-related conditions. Variants that disrupt the consensus splice site are a relatively common cause of aberrant splicing (PMID: 17576681, 9536098). Algorithms developed to predict the effect of sequence changes on RNA splicing suggest that this variant is not likely to affect RNA splicing. In summary, the available evidence is currently insufficient to determine the role of this variant in disease. Therefore, it has been classified as a Variant of Uncertain Significance.

Literature cited by the submitters: PubMed 17576681; PubMed 9536098.

NM_002292.4(LAMB2):c.249+3G>A

Gene: LAMB2 (laminin subunit beta 2; minus strand). Cytogenetic location: 3p21.31.
Variant type: single nucleotide variant.
Coding change: c.249+3G>A on transcript NM_002292.4 (MANE Select); 3 bases into the intron after coding-DNA position 249, G replaced by A.
Molecular consequence: intron variant.
Genome position (GRCh38, 1-based): chr3:49,132,488, C>T on the plus strand (G>A on the coding strand, the complement: LAMB2 is on the minus strand). VCF-style: chr3-49132488-C-T. GRCh37 (hg19) VCF-style: chr3-49169921-C-T.
Identifiers: ClinVar variation 2078298 (VCV002078298.1), dbSNP rs755734241, ClinGen allele CA2580070031.